The following is an entry in ClinVar:

NM_032119.4(ADGRV1):c.10162-209T>C

Gene: ADGRV1 (adhesion G protein-coupled receptor V1; plus strand). Cytogenetic location: 5q14.3.
Variant type: single nucleotide variant.
Coding change: c.10162-209T>C on transcript NM_032119.4 (MANE Select); 209 bases into the intron before coding-DNA position 10162, T replaced by C.
Molecular consequence: intron variant.
Genome position (GRCh38, 1-based): chr5:90,728,460, T>C. VCF-style: chr5-90728460-T-C. GRCh37 (hg19) VCF-style: chr5-90024277-T-C.
Identifiers: ClinVar variation 678806 (VCV000678806.1), dbSNP rs10074104, ClinGen allele CA15413794.

ClinVar aggregate classification (germline): Benign (1 of 4 stars; one submission).

Allele frequency attached by ClinVar (database versions not stated): TOPMed 0.59205; 1000 Genomes Project 30x 0.62102; 1000 Genomes Project 0.63099; gnomAD 0.59406.
gnomAD v4.1: 90,791 of 152,084 alleles (60%); highest among the groups gnomAD compares: East Asian, 80%; 28,141 homozygotes.

Submission:

GeneDx
Classification: Benign. Last evaluated: 2018-06-14. Review status: criteria provided, single submitter. Criteria: GeneDx Variant Classification (06012015). Collection method: clinical testing. Allele origin: germline. Affected: yes.
Comment: This variant is considered likely benign or benign based on one or more of the following criteria: it is a conservative change, it occurs at a poorly conserved position in the protein, it is predicted to be benign by multiple in silico algorithms, and/or has population frequency not consistent with disease.